The following is an entry in ClinVar:

NM_005221.6(DLX5):c.570del (p.Lys191fs)

Genes: DLX5 (distal-less homeobox 5; minus strand), LOC126860116 (CDK7 strongly-dependent group 2 enhancer GRCh37_chr7:96650255-96651454; plus strand). Cytogenetic location: 7q21.3.
Variant type: Deletion.
Coding change: c.570del on transcript NM_005221.6 (MANE Select); coding-DNA position 570, one base deleted (C; older notation c.570delC).
Protein change: p.Lys191fs; shifts the reading frame from lysine 191.
Molecular consequence: frameshift variant.
Genome position (GRCh38, 1-based): chr7:97,021,036, G deleted on the plus strand (C on the coding strand, the reverse complement: DLX5 is on the minus strand); the first of 2 consecutive G bases (chr7:97,021,036-97,021,037); deleting either gives the same sequence. VCF-style (leftmost placement, unchanged base first): chr7-97021035-TG-T. GRCh37 (hg19) VCF-style: chr7-96650347-TG-T.
Other names: short protein forms K191fs.
Identifiers: ClinVar variation 2575561 (VCV002575561.1), dbSNP rs2485516617, ClinGen allele CA2580615942.

ClinVar aggregate classification (germline): Uncertain significance (1 of 4 stars; one submission).

Submission:

GeneDx
Classification: Uncertain significance. Last evaluated: 2023-02-08. Review status: criteria provided, single submitter. Criteria: GeneDx Variant Classification Process June 2021. Collection method: clinical testing. Allele origin: germline. Affected: yes.
Comment: Frameshift variant predicted to result in protein truncation as the last 99 amino acids are replaced with 5 different amino acids, although loss-of-function variants have not been reported downstream of this position in the protein; Not observed at significant frequency in large population cohorts (gnomAD); Has not been previously published as pathogenic or benign to our knowledge